The following is an entry in ClinVar:

ClinVar aggregate classification (germline): Uncertain significance. Review status: criteria provided, multiple submitters, no conflicts (2 of 4 stars). 3 submissions from 3 submitters: Uncertain significance (3). Last evaluated 2026-02-25.

Conditions:
Inborn genetic diseases. Identifiers: MedGen C0950123, MeSH D030342.

Allele frequency attached by ClinVar (database versions not stated): ExAC 0.00002; gnomAD 0.00002; TOPMed 0.00004; ESP Exome Variant Server 0.00008.

Submissions (3):

GeneDx
Classification: Uncertain significance. Last evaluated: 2026-02-25. Review status: criteria provided, single submitter. Criteria: GeneDx Variant Classification Process June 2021. Collection method: clinical testing. Allele origin: germline.
Comment: Not observed at significant frequency in large population cohorts (gnomAD); In silico analysis supports that this missense variant has a deleterious effect on protein structure/function; Has not been previously published as pathogenic or benign to our knowledge

Ambry Genetics
Classification: Uncertain significance for Inborn genetic diseases. Last evaluated: 2022-10-26. Review status: criteria provided, single submitter. Criteria: Ambry Variant Classification Scheme 2023. Collection method: clinical testing. Allele origin: germline.

Labcorp Genetics (formerly Invitae), Labcorp
Classification: Uncertain significance. Last evaluated: 2021-08-30. Review status: criteria provided, single submitter. Criteria: Invitae Variant Classification Sherloc (09022015). Collection method: clinical testing. Allele origin: germline.
Comment: This variant is present in population databases (rs370239519, ExAC 0.02%). This sequence change replaces proline with alanine at codon 273 of the MTFMT protein (p.Pro273Ala). The proline residue is moderately conserved and there is a small physicochemical difference between proline and alanine. This variant has not been reported in the literature in individuals affected with MTFMT-related conditions. Algorithms developed to predict the effect of missense changes on protein structure and function are either unavailable or do not agree on the potential impact of this missense change (SIFT: "Tolerated"; PolyPhen-2: "Possibly Damaging"; Align-GVGD: "Class C0"). In summary, the available evidence is currently insufficient to determine the role of this variant in disease. Therefore, it has been classified as a Variant of Uncertain Significance.

NM_139242.4(MTFMT):c.817C>G (p.Pro273Ala)

Gene: MTFMT (mitochondrial methionyl-tRNA formyltransferase; minus strand). Cytogenetic location: 15q22.31.
Variant type: single nucleotide variant.
Coding change: c.817C>G on transcript NM_139242.4 (MANE Select); coding-DNA position 817, C replaced by G.
Protein change: p.Pro273Ala; replaces proline 273 with alanine.
Molecular consequence: missense variant.
Genome position (GRCh38, 1-based): chr15:65,006,188, G>C on the plus strand (C>G on the coding strand, the complement: MTFMT is on the minus strand). VCF-style: chr15-65006188-G-C. GRCh37 (hg19) VCF-style: chr15-65298526-G-C.
Other names: c.817C>G (NM_139242.3); short protein forms P273A.
Identifiers: ClinVar variation 1372777 (VCV001372777.8), dbSNP rs370239519, ClinGen allele CA7613233.